The following is an entry in ClinVar:

ClinVar aggregate classification (germline): Uncertain significance. Review status: criteria provided, multiple submitters, no conflicts (2 of 4 stars). 2 submissions from 2 submitters: Uncertain significance (2). Last evaluated 2025-10-15.

Allele frequency attached by ClinVar (database versions not stated): gnomAD 0.00001; ExAC 0.00005.
gnomAD v4.1: 16 of 1,614,038 alleles (0.00099%); highest among the groups gnomAD compares: Non-Finnish European, 0.00076%; no homozygotes.

Submissions (2):

Ambry Genetics
Classification: Uncertain significance. Last evaluated: 2025-10-15. Review status: criteria provided, single submitter. Criteria: Ambry Variant Classification Scheme 2023. Collection method: clinical testing. Allele origin: germline.

Labcorp Genetics (formerly Invitae), Labcorp
Classification: Uncertain significance. Last evaluated: 2022-08-31. Review status: criteria provided, single submitter. Criteria: Invitae Variant Classification Sherloc (09022015). Collection method: clinical testing. Allele origin: germline.
Comment: This variant is present in population databases (rs759922777, gnomAD 0.005%). This sequence change replaces arginine, which is basic and polar, with tryptophan, which is neutral and slightly polar, at codon 3785 of the FAT2 protein (p.Arg3785Trp). This variant has not been reported in the literature in individuals affected with FAT2-related conditions. In summary, the available evidence is currently insufficient to determine the role of this variant in disease. Therefore, it has been classified as a Variant of Uncertain Significance. Algorithms developed to predict the effect of missense changes on protein structure and function (SIFT, PolyPhen-2, Align-GVGD) all suggest that this variant is likely to be tolerated.

NM_001447.3(FAT2):c.11353C>T (p.Arg3785Trp)

Genes: FAT2 (FAT atypical cadherin 2; minus strand), SLC36A1 (solute carrier family 36 member 1; plus strand). Cytogenetic location: 5q33.1.
Variant type: single nucleotide variant.
Coding change: c.11353C>T on transcript NM_001447.3 (MANE Select); coding-DNA position 11353, C replaced by T.
Protein change: p.Arg3785Trp; replaces arginine 3785 with tryptophan.
Molecular consequence: missense variant.
Genome position (GRCh38, 1-based): chr5:151,517,730, G>A on the plus strand (C>T on the coding strand, the complement: FAT2 is on the minus strand). VCF-style: chr5-151517730-G-A. GRCh37 (hg19) VCF-style: chr5-150897291-G-A.
Other names: c.11353C>T (NM_001447.2); short protein forms R3785W.
Identifiers: ClinVar variation 1978816 (VCV001978816.5), dbSNP rs759922777, ClinGen allele CA3520024.